The following is an entry in ClinVar:

NM_001142800.2(EYS):c.7723+9T>C

Gene: EYS (EGF-like photoreceptor maintenance factor; minus strand). Cytogenetic location: 6q12.
Variant type: single nucleotide variant.
Coding change: c.7723+9T>C on transcript NM_001142800.2 (MANE Select); 9 bases into the intron after coding-DNA position 7723, T replaced by C.
Molecular consequence: intron variant.
Genome position (GRCh38, 1-based): chr6:63,788,096, A>G on the plus strand (T>C on the coding strand, the complement: EYS is on the minus strand). VCF-style: chr6-63788096-A-G. GRCh37 (hg19) VCF-style: chr6-64497989-A-G.
Other names: c.7723+9T>C (NM_001292009.2).
Identifiers: ClinVar variation 729277 (VCV000729277.16), dbSNP rs766087392, ClinGen allele CA3876789.

ClinVar aggregate classification (germline): Likely benign. Review status: criteria provided, multiple submitters, no conflicts (2 of 4 stars). 6 submissions from 6 submitters: Likely benign (4). 2 of the submissions do not count toward it. Last evaluated 2025-03-17.

Conditions:
EYS-related disorder. Also called: EYS-related condition.
Retinitis pigmentosa (RP). Identifiers: Orphanet 791, MedGen C0035334, MeSH D012174, MONDO:0019200, OMIM 268000. Inheritance: Autosomal dominant, autosomal recessive and X linked inheritance.
Retinitis pigmentosa 25 (RP25). Identifiers: Orphanet 791, MedGen C1864446, MONDO:0011272, OMIM 602772.

Allele frequency attached by ClinVar (database versions not stated): ExAC 0.00005; gnomAD exomes 0.00005 and 0.00011; TOPMed 0.00012; gnomAD 0.00021.
gnomAD v4.1: 103 of 1,524,674 alleles (0.0068%); highest among the groups gnomAD compares: Admixed American, 0.074%; no homozygotes.

Submissions (6):

Labcorp Genetics (formerly Invitae), Labcorp
Classification: Likely benign. Last evaluated: 2025-03-17. Review status: criteria provided, single submitter. Criteria: Invitae Variant Classification Sherloc (09022015). Collection method: clinical testing. Allele origin: germline.

Blueprint Genetics
Classification: Likely benign. Last evaluated: 2024-10-21. Review status: criteria provided, single submitter. Criteria: ACMG Guidelines, 2015. Collection method: clinical testing. Allele origin: germline.

Fulgent Genetics
Classification: Likely benign for Retinitis pigmentosa 25. Last evaluated: 2021-07-15. Review status: criteria provided, single submitter. Criteria: ACMG Guidelines, 2015. Collection method: clinical testing. Allele origin: unknown.

Breakthrough Genomics
Classification: Likely benign. Review status: criteria provided, single submitter. Criteria: ACMG Guidelines, 2015. Collection method: not provided. Allele origin: germline. Inheritance: Autosomal recessive inheritance. Affected: yes.

Natera, Inc.
Classification: Uncertain significance for Retinitis pigmentosa. Last evaluated: 2020-04-16. Review status: no assertion criteria provided. Collection method: clinical testing. Allele origin: germline. Not counted in ClinVar's aggregate classification.

PreventionGenetics, part of Exact Sciences
Classification: Likely benign for EYS-related condition. Last evaluated: 2019-09-20. Review status: no assertion criteria provided. Collection method: clinical testing. Allele origin: germline. Not counted in ClinVar's aggregate classification.
Comment: This variant is classified as likely benign based on ACMG/AMP sequence variant interpretation guidelines (Richards et al. 2015 PMID: 25741868, with internal and published modifications).